The following is an entry in ClinVar:

ClinVar aggregate classification (germline): Uncertain significance. Review status: criteria provided, multiple submitters, no conflicts (2 of 4 stars). 5 submissions from 5 submitters: Uncertain significance (5). Last evaluated 2025-01-31.

Conditions:
JAG1-related disorder. Also called: JAG1-related condition; JAG1-related disorders.
Charcot-Marie-Tooth disease, axonal, Type 2HH. Also called: CHARCOT-MARIE-TOOTH NEUROPATHY, TYPE 2HH. Identifiers: MedGen C5562003, MONDO:0030458, OMIM 619574.
Deafness, congenital heart defects, and posterior embryotoxon (DCHE). Identifiers: MedGen C1866053, MONDO:0060713, OMIM 617992.
Alagille syndrome due to a JAG1 point mutation. Also called: HEPATIC DUCTULAR HYPOPLASIA, SYNDROMATIC; Alagille Syndrome 1; JAG1-Related Alagille Syndrome. Identifiers: Orphanet 261619, Orphanet 52, MedGen C1956125, MONDO:0016862, OMIM 118450.
Tetralogy of Fallot (TOF). Identifiers: Orphanet 3303, MedGen C0039685, MONDO:0008542, OMIM 187500, HP:0001636.
Cardiovascular phenotype. Identifiers: MedGen CN230736.

Allele frequency attached by ClinVar (database versions not stated): gnomAD exomes below 0.00001; TOPMed below 0.00001; gnomAD 0.00001.
gnomAD v4.1: 4 of 1,614,112 alleles (0.00025%); highest among the groups gnomAD compares: Non-Finnish European, 0.00034%; no homozygotes.

Submissions (5):

PreventionGenetics, part of Exact Sciences
Classification: Uncertain significance for JAG1-related condition. Last evaluated: 2025-01-31. Review status: criteria provided, single submitter. Criteria: ACMG Guidelines, 2015. Collection method: clinical testing. Allele origin: germline.
Comment: The JAG1 c.448A>G variant is predicted to result in the amino acid substitution p.Ser150Gly. To our knowledge, this variant has not been reported in the literature or in a large population database (gnomAD), indicating this variant is rare. At this time, the clinical significance of this variant is uncertain due to the absence of conclusive functional and genetic evidence.

Fulgent Genetics
Classification: Uncertain significance for Alagille syndrome due to a JAG1 point mutation; Tetralogy of Fallot; Deafness, congenital heart defects, and posterior embryotoxon; Charcot-Marie-Tooth disease, axonal, Type 2HH. Last evaluated: 2024-02-29. Review status: criteria provided, single submitter. Criteria: ACMG Guidelines, 2015. Collection method: clinical testing. Allele origin: germline.

Labcorp Genetics (formerly Invitae), Labcorp
Classification: Uncertain significance for Alagille syndrome due to a JAG1 point mutation. Last evaluated: 2024-02-17. Review status: criteria provided, single submitter. Criteria: Invitae Variant Classification Sherloc (09022015). Collection method: clinical testing. Allele origin: germline.
Comment: This sequence change replaces serine, which is neutral and polar, with glycine, which is neutral and non-polar, at codon 150 of the JAG1 protein (p.Ser150Gly). This variant is not present in population databases (gnomAD no frequency). This variant has not been reported in the literature in individuals affected with JAG1-related conditions. ClinVar contains an entry for this variant (Variation ID: 1318845). Advanced modeling of protein sequence and biophysical properties (such as structural, functional, and spatial information, amino acid conservation, physicochemical variation, residue mobility, and thermodynamic stability) performed at Invitae indicates that this missense variant is not expected to disrupt JAG1 protein function with a negative predictive value of 95%. In summary, the available evidence is currently insufficient to determine the role of this variant in disease. Therefore, it has been classified as a Variant of Uncertain Significance.

Ambry Genetics
Classification: Uncertain significance for Cardiovascular phenotype. Last evaluated: 2021-09-20. Review status: criteria provided, single submitter. Criteria: Ambry Variant Classification Scheme 2023. Collection method: clinical testing. Allele origin: germline.
Comment: The p.S150G variant (also known as c.448A>G), located in coding exon 4 of the JAG1 gene, results from an A to G substitution at nucleotide position 448. The serine at codon 150 is replaced by glycine, an amino acid with similar properties. This amino acid position is conserved. In addition, this alteration is predicted to be tolerated by in silico analysis. Since supporting evidence is limited at this time, the clinical significance of this alteration remains unclear.

GeneDx
Classification: Uncertain significance. Last evaluated: 2019-08-09. Review status: criteria provided, single submitter. Criteria: GeneDx Variant Classification Process June 2021. Collection method: clinical testing. Allele origin: germline. Affected: yes.
Comment: Not observed in large population cohorts (Lek et al., 2016); In silico analysis, which includes protein predictors and evolutionary conservation, supports that this variant does not alter protein structure/function; Has not been previously published as pathogenic or benign to our knowledge

NM_000214.3(JAG1):c.448A>G (p.Ser150Gly)

Gene: JAG1 (jagged canonical Notch ligand 1; minus strand). Cytogenetic location: 20p12.2.
Variant type: single nucleotide variant.
Coding change: c.448A>G on transcript NM_000214.3 (MANE Select); coding-DNA position 448, A replaced by G.
Protein change: p.Ser150Gly; replaces serine 150 with glycine.
Molecular consequence: missense variant.
Genome position (GRCh38, 1-based): chr20:10,658,714, T>C on the plus strand (A>G on the coding strand, the complement: JAG1 is on the minus strand). VCF-style: chr20-10658714-T-C. GRCh37 (hg19) VCF-style: chr20-10639362-T-C.
Other names: short protein forms S150G.
Identifiers: ClinVar variation 1318845 (VCV001318845.8), dbSNP rs1229047867, ClinGen allele CA408240686.